The following is an entry in ClinVar:

ClinVar aggregate classification (germline): Conflicting classifications of pathogenicity. Review status: criteria provided, conflicting classifications (1 of 4 stars). 3 submissions from 3 submitters: Uncertain significance (2); Likely benign (1). Last evaluated 2026-08-12.

Conditions:
Hereditary cancer-predisposing syndrome. Also called: Hereditary Cancer Syndrome; Neoplastic Syndromes, Hereditary; Tumor predisposition; Hereditary neoplastic syndrome. Identifiers: Orphanet 140162, MedGen C0027672, MeSH D009386, MONDO:0015356.
Familial adenomatous polyposis 2. Also called: Adenomas, multiple colorectal; COLORECTAL ADENOMATOUS POLYPOSIS, AUTOSOMAL RECESSIVE; MYH-associated polyposis; FAP type 2; MUTYH-associated polyposis; MUTYH-related attenuated familial adenomatous polyposis. Identifiers: Orphanet 220460, Orphanet 247798, MedGen C3272841, MONDO:0012041, OMIM 608456.

Allele frequency attached by ClinVar (database versions not stated): gnomAD exomes 0.00001.
gnomAD v4.1: 5 of 1,613,780 alleles (0.00031%); highest among the groups gnomAD compares: Non-Finnish European, 0.00042%; no homozygotes.

Submissions (3):

Ambry Genetics
Classification: Likely benign for Hereditary cancer-predisposing syndrome. Last evaluated: 2026-08-12. Review status: criteria provided, single submitter. Criteria: Ambry Variant Classification Scheme 2023. Collection method: clinical testing. Allele origin: germline.

Color Diagnostics, LLC DBA Color Health
Classification: Uncertain significance for Hereditary cancer-predisposing syndrome. Last evaluated: 2025-08-30. Review status: criteria provided, single submitter. Criteria: ACMG Guidelines, 2015. Collection method: clinical testing. Allele origin: germline.
Comment: This missense variant replaces valine with alanine at codon 5 of the MUTYH protein. Computational prediction suggests that this variant may not impact protein structure and function. To our knowledge, functional studies have not been reported for this variant. This variant has not been reported in individuals affected with MUTYH-related disorders in the literature. This variant has not been identified in the general population by the Genome Aggregation Database (gnomAD). The available evidence is insufficient to determine the role of this variant in disease conclusively. Therefore, this variant is classified as a Variant of Uncertain Significance.

Labcorp Genetics (formerly Invitae), Labcorp
Classification: Uncertain significance for Familial adenomatous polyposis 2. Last evaluated: 2025-05-07. Review status: criteria provided, single submitter. Criteria: Invitae Variant Classification Sherloc (09022015). Collection method: clinical testing. Allele origin: germline.
Comment: This sequence change replaces valine, which is neutral and non-polar, with alanine, which is neutral and non-polar, at codon 5 of the MUTYH protein (p.Val5Ala). This variant is not present in population databases (gnomAD no frequency). This variant has not been reported in the literature in individuals affected with MUTYH-related conditions. ClinVar contains an entry for this variant (Variation ID: 533299). An algorithm developed to predict the effect of missense changes on protein structure and function outputs the following: PolyPhen-2: "Benign". The alanine amino acid residue is found in multiple mammalian species, which suggests that this missense change does not adversely affect protein function. In summary, the available evidence is currently insufficient to determine the role of this variant in disease. Therefore, it has been classified as a Variant of Uncertain Significance.

NM_001128425.2(MUTYH):c.14T>C (p.Val5Ala)

Genes: MUTYH (mutY DNA glycosylase; minus strand), TOE1 (target of EGR1, exonuclease; plus strand). Cytogenetic location: 1p34.1.
Variant type: single nucleotide variant.
Coding change: c.14T>C on transcript NM_001128425.2 (MANE Plus Clinical); coding-DNA position 14, T replaced by C.
Protein change: p.Val5Ala; replaces valine 5 with alanine.
Molecular consequence: missense variant. On other transcripts: 5 prime UTR variant (8), non-coding transcript variant (3).
Genome position (GRCh38, 1-based): chr1:45,340,241, A>G on the plus strand (T>C on the coding strand, the complement: MUTYH is on the minus strand). VCF-style: chr1-45340241-A-G. GRCh37 (hg19) VCF-style: chr1-45805913-A-G.
Other names: c.-12A>G (NM_025077.4); c.-29T>C (NM_001048171.2); c.14T>C, p.Val5Ala (NM_001293190.2, NM_001407069.1, NM_001407073.1 and 1 more transcripts); c.-241T>C (NM_001293192.2); c.-300T>C (NM_001350650.2); c.-236T>C (NM_001350651.2); c.-45T>C (NM_001407070.1, NM_001407071.1); c.-25T>C (NM_001407072.1); short protein forms V5A.
Identifiers: ClinVar variation 533299 (VCV000533299.12), dbSNP rs1553137063, ClinGen allele CA340137891.